The following is an entry in ClinVar:

NM_002292.4(LAMB2):c.5142G>A (p.Lys1714=)

Gene: LAMB2 (laminin subunit beta 2; minus strand). Cytogenetic location: 3p21.31.
Variant type: single nucleotide variant.
Coding change: c.5142G>A on transcript NM_002292.4 (MANE Select); coding-DNA position 5142, G replaced by A.
Protein change: p.Lys1714=; no amino-acid change (lysine 1714 retained).
Molecular consequence: synonymous variant.
Genome position (GRCh38, 1-based): chr3:49,121,551, C>T on the plus strand (G>A on the coding strand, the complement: LAMB2 is on the minus strand). VCF-style: chr3-49121551-C-T. GRCh37 (hg19) VCF-style: chr3-49158984-C-T.
Identifiers: ClinVar variation 707650 (VCV000707650.23), dbSNP rs139511264, ClinGen allele CA2393591.

ClinVar aggregate classification (germline): Conflicting classifications of pathogenicity. Review status: criteria provided, conflicting classifications (1 of 4 stars). 5 submissions from 4 submitters: Uncertain significance (2); Likely benign (2). 1 of the submissions does not count toward it. Last evaluated 2026-08-01.

Conditions:
LAMB2-related disorder. Also called: LAMB2-related condition.
LAMB2-related infantile-onset nephrotic syndrome. Also called: NEPHROTIC SYNDROME, TYPE 5, WITHOUT OCULAR ABNORMALITIES; NEPHROTIC SYNDROME, TYPE 5, WITH OCULAR ABNORMALITIES; Nephrotic Syndrome, type 5. Identifiers: Orphanet 306507, MedGen C3280113, MONDO:0013621, OMIM 614199.
Pierson syndrome. Also called: MICROCORIA-CONGENITAL NEPHROTIC SYNDROME. Identifiers: Orphanet 2670, MedGen C1836876, MONDO:0012184, OMIM 609049.

Allele frequency attached by ClinVar (database versions not stated): ExAC 0.00021; gnomAD exomes 0.00021 and 0.00033; TOPMed 0.00025; gnomAD 0.00027; ESP Exome Variant Server 0.00038; 1000 Genomes Project 0.00040; 1000 Genomes Project 30x 0.00062.
gnomAD v4.1: 507 of 1,614,010 alleles (0.031%); highest among the groups gnomAD compares: Non-Finnish European, 0.04%; 1 homozygote.

Submissions (5):

CeGaT Center for Human Genetics Tuebingen
Classification: Likely benign. Last evaluated: 2026-08-01. Review status: criteria provided, single submitter. Criteria: CeGaT Center For Human Genetics Tuebingen Variant Classification Criteria Version 2. Collection method: clinical testing. Allele origin: germline. Affected: yes. Observed: 3 variant alleles.
Comment: LAMB2: BP4, BP7

Labcorp Genetics (formerly Invitae), Labcorp
Classification: Likely benign for LAMB2-related infantile-onset nephrotic syndrome; Pierson syndrome. Last evaluated: 2026-01-27. Review status: criteria provided, single submitter. Criteria: Invitae Variant Classification Sherloc (09022015). Collection method: clinical testing. Allele origin: germline.

Illumina Laboratory Services, Illumina
Classification: Uncertain significance for Pierson syndrome. Last evaluated: 2018-01-13. Review status: criteria provided, single submitter. Criteria: ICSL Variant Classification Criteria 13 December 2019. Collection method: clinical testing. Allele origin: germline.

Illumina Laboratory Services, Illumina
Classification: Uncertain significance for LAMB2-related infantile-onset nephrotic syndrome. Last evaluated: 2018-01-13. Review status: criteria provided, single submitter. Criteria: ICSL Variant Classification Criteria 13 December 2019. Collection method: clinical testing. Allele origin: germline.

PreventionGenetics, part of Exact Sciences
Classification: Likely benign for LAMB2-related condition. Last evaluated: 2019-06-06. Review status: no assertion criteria provided. Collection method: clinical testing. Allele origin: germline. Not counted in ClinVar's aggregate classification.
Comment: This variant is classified as likely benign based on ACMG/AMP sequence variant interpretation guidelines (Richards et al. 2015 PMID: 25741868, with internal and published modifications).